The following is an entry in ClinVar:

ClinVar aggregate classification (germline): Likely benign. Review status: criteria provided, multiple submitters, no conflicts (2 of 4 stars). 3 submissions from 3 submitters: Likely benign (3). Last evaluated 2025-04-17.

Conditions:
Hereditary cancer-predisposing syndrome. Also called: Neoplastic Syndromes, Hereditary; Hereditary neoplastic syndrome; Tumor predisposition; Hereditary Cancer Syndrome. Identifiers: Orphanet 140162, MedGen C0027672, MeSH D009386, MONDO:0015356.
Fanconi anemia complementation group O. Also called: RAD51C-Related Fanconi Anemia. Identifiers: Orphanet 84, MedGen C3150653, MONDO:0013248, OMIM 613390.

Submissions (3):

Labcorp Genetics (formerly Invitae), Labcorp
Classification: Likely benign for Fanconi anemia complementation group O. Last evaluated: 2025-04-17. Review status: criteria provided, single submitter. Criteria: Invitae Variant Classification Sherloc (09022015). Collection method: clinical testing. Allele origin: germline.

Ambry Genetics
Classification: Likely benign for Hereditary cancer-predisposing syndrome. Last evaluated: 2024-07-15. Review status: criteria provided, single submitter. Criteria: Ambry Variant Classification Scheme 2023. Collection method: clinical testing. Allele origin: germline.

GeneDx
Classification: Likely benign. Last evaluated: 2016-04-04. Review status: criteria provided, single submitter. Criteria: GeneDx Variant Classification (06012015). Collection method: clinical testing. Allele origin: germline. Affected: yes.
Comment: This variant is considered likely benign or benign based on one or more of the following criteria: it is a conservative change, it occurs at a poorly conserved position in the protein, it is predicted to be benign by multiple in silico algorithms, and/or has population frequency not consistent with disease.

NM_058216.3(RAD51C):c.687C>T (p.Phe229=)

Genes: RAD51C (RAD51 paralog C; plus strand), LOC129390903 (MPRA-validated peak2919 silencer; plus strand). Cytogenetic location: 17q22.
Variant type: single nucleotide variant.
Coding change: c.687C>T on transcript NM_058216.3 (MANE Select); coding-DNA position 687, C replaced by T.
Protein change: p.Phe229=; no amino-acid change (phenylalanine 229 retained).
Molecular consequence: synonymous variant. On other transcripts: non-coding transcript variant (1).
Genome position (GRCh38, 1-based): chr17:58,703,311, C>T. VCF-style: chr17-58703311-C-T. GRCh37 (hg19) VCF-style: chr17-56780672-C-T.
Identifiers: ClinVar variation 385322 (VCV000385322.11), dbSNP rs780177888, ClinGen allele CA16608552.